The following is an entry in ClinVar:

ClinVar aggregate classification (germline): Conflicting classifications of pathogenicity. Review status: criteria provided, conflicting classifications (1 of 4 stars). 4 submissions from 4 submitters: Uncertain significance (3); Benign (1). Last evaluated 2025-09-01.

Conditions:
Emery-Dreifuss muscular dystrophy 5, autosomal dominant (EDMD5). Also called: EMERY-DREIFUSS MUSCULAR DYSTROPHY 5. Identifiers: Orphanet 261, MedGen C2751805, MONDO:0013072, OMIM 612999.

Allele frequency attached by ClinVar (database versions not stated): ExAC 0.00002; gnomAD exomes 0.00003 and 0.00005; TOPMed 0.00003.
gnomAD v4.1: 15 of 1,614,060 alleles (0.00093%); highest among the groups gnomAD compares: Admixed American, 0.025%; no homozygotes.

Submissions (4):

Ambry Genetics
Classification: Uncertain significance. Last evaluated: 2025-09-01. Review status: criteria provided, single submitter. Criteria: Ambry Variant Classification Scheme 2023. Collection method: clinical testing. Allele origin: germline.

Labcorp Genetics (formerly Invitae), Labcorp
Classification: Uncertain significance for Emery-Dreifuss muscular dystrophy 5, autosomal dominant. Last evaluated: 2024-02-11. Review status: criteria provided, single submitter. Criteria: Invitae Variant Classification Sherloc (09022015). Collection method: clinical testing. Allele origin: germline.
Comment: This sequence change replaces glutamine, which is neutral and polar, with lysine, which is basic and polar, at codon 732 of the SYNE2 protein (p.Gln732Lys). This variant is present in population databases (rs758897129, gnomAD 0.04%), and has an allele count higher than expected for a pathogenic variant. This variant has not been reported in the literature in individuals affected with SYNE2-related conditions. ClinVar contains an entry for this variant (Variation ID: 313493). Algorithms developed to predict the effect of missense changes on protein structure and function output the following: SIFT: "Not Available"; PolyPhen-2: "Benign"; Align-GVGD: "Not Available". The lysine amino acid residue is found in multiple mammalian species, which suggests that this missense change does not adversely affect protein function. In summary, the available evidence is currently insufficient to determine the role of this variant in disease. Therefore, it has been classified as a Variant of Uncertain Significance.

Athena Diagnostics
Classification: Uncertain significance. Last evaluated: 2018-09-14. Review status: criteria provided, single submitter. Criteria: Athena Diagnostics Criteria. Collection method: clinical testing. Allele origin: germline.

Illumina Laboratory Services, Illumina
Classification: Benign for Emery-Dreifuss muscular dystrophy 5, autosomal dominant. Last evaluated: 2018-01-12. Review status: criteria provided, single submitter. Criteria: ICSL Variant Classification Criteria 13 December 2019. Collection method: clinical testing. Allele origin: germline.
Comment: This variant was observed in the ICSL laboratory as part of a predisposition screen in an ostensibly healthy population. It had not been previously curated by ICSL or reported in the Human Gene Mutation Database (HGMD: prior to June 1st, 2018), and was therefore a candidate for classification through an automated scoring system. Utilizing variant allele frequency, disease prevalence and penetrance estimates, and inheritance mode, an automated score was calculated to assess if this variant is too frequent to cause the disease. Based on the score and internal cut-off values, a variant classified as benign is not then subjected to further curation. The score for this variant resulted in a classification of benign for this disease.

NM_182914.3(SYNE2):c.2194C>A (p.Gln732Lys)

Gene: SYNE2 (spectrin repeat containing nuclear envelope protein 2; plus strand). Cytogenetic location: 14q23.2.
Variant type: single nucleotide variant.
Coding change: c.2194C>A on transcript NM_182914.3 (MANE Select); coding-DNA position 2194, C replaced by A.
Protein change: p.Gln732Lys; replaces glutamine 732 with lysine.
Molecular consequence: missense variant.
Genome position (GRCh38, 1-based): chr14:63,986,498, C>A. VCF-style: chr14-63986498-C-A. GRCh37 (hg19) VCF-style: chr14-64453216-C-A.
Other names: c.2194C>A, p.Gln732Lys (NM_015180.6); short protein forms Q732K.
Identifiers: ClinVar variation 313493 (VCV000313493.14), dbSNP rs758897129, ClinGen allele CA7219634.